The following is an entry in ClinVar:

ClinVar aggregate classification (germline): Uncertain significance (1 of 4 stars; one submission).

Conditions:
Atrial fibrillation, familial, 18 (ATFB18). Identifiers: MedGen C4310636, MONDO:0015001, OMIM 617280.

gnomAD v4.1: 1 of 1,614,214 alleles (0.000062%); highest among the groups gnomAD compares: Admixed American, 0.0017%; no homozygotes.

Submission:

Labcorp Genetics (formerly Invitae), Labcorp
Classification: Uncertain significance for Atrial fibrillation, familial, 18. Last evaluated: 2025-04-24. Review status: criteria provided, single submitter. Criteria: Invitae Variant Classification Sherloc (09022015). Collection method: clinical testing. Allele origin: germline.
Comment: This sequence change replaces lysine, which is basic and polar, with arginine, which is basic and polar, at codon 35 of the MYL4 protein (p.Lys35Arg). This variant is present in population databases (no rsID available, gnomAD 0.003%). This variant has not been reported in the literature in individuals affected with MYL4-related conditions. An algorithm developed to predict the effect of missense changes on protein structure and function outputs the following: PolyPhen-2: "Not Available". The arginine amino acid residue is found in multiple mammalian species, which suggests that this missense change does not adversely affect protein function. In summary, the available evidence is currently insufficient to determine the role of this variant in disease. Therefore, it has been classified as a Variant of Uncertain Significance.

NM_002476.2(MYL4):c.104A>G (p.Lys35Arg)

Gene: MYL4 (myosin light chain 4; plus strand). Cytogenetic location: 17q21.32.
Variant type: single nucleotide variant.
Coding change: c.104A>G on transcript NM_002476.2 (MANE Select); coding-DNA position 104, A replaced by G.
Protein change: p.Lys35Arg; replaces lysine 35 with arginine.
Molecular consequence: missense variant.
Genome position (GRCh38, 1-based): chr17:47,209,526, A>G. VCF-style: chr17-47209526-A-G. GRCh37 (hg19) VCF-style: chr17-45286892-A-G.
Other names: c.104A>G, p.Lys35Arg (NM_001002841.2); short protein forms K35R.
Identifiers: ClinVar variation 4776665 (VCV004776665.1).